The following is an entry in ClinVar:

NM_022124.6(CDH23):c.7465C>G (p.Arg2489Gly)

Gene: CDH23 (cadherin related 23; plus strand). Cytogenetic location: 10q22.1.
Variant type: single nucleotide variant.
Coding change: c.7465C>G on transcript NM_022124.6 (MANE Select); coding-DNA position 7465, C replaced by G.
Protein change: p.Arg2489Gly; replaces arginine 2489 with glycine.
Molecular consequence: missense variant.
Genome position (GRCh38, 1-based): chr10:71,800,738, C>G. VCF-style: chr10-71800738-C-G. GRCh37 (hg19) VCF-style: chr10-73560495-C-G.
Other names: c.745C>G, p.Arg249Gly (NM_001171933.1, NM_001171934.1); short protein forms R2489G, R249G.
Identifiers: ClinVar variation 392338 (VCV000392338.3), dbSNP rs754223180, ClinGen allele CA16605681.
Genomic context (GRCh38, chr10:71,800,738, plus strand): 5'-GACCACTATATCCTGACTGCCTTGGCCAAAGACAACCCTGGGGATGTAGCCAGCAACCGT[C>G]GCGAAAATTCAGTGCAGGTGAGGGGTGCCAACCTGGGCCAGGGATGACAGGGACTGGGGT-3'
Protein context (NP_071407.4, residues 2479-2499): DNPGDVASNR[Arg2489Gly]ENSVQVVIQV

ClinVar aggregate classification (germline): Uncertain significance (1 of 4 stars; one submission).

Submission:

GeneDx
Classification: Uncertain significance. Last evaluated: 2025-07-22. Review status: criteria provided, single submitter. Criteria: GeneDx Variant Classification Process June 2021. Collection method: clinical testing. Allele origin: germline. Affected: yes.
Comment: Not observed at significant frequency in large population cohorts (gnomAD); In silico analysis supports that this missense variant has a deleterious effect on protein structure/function; Has not been previously published as pathogenic or benign to our knowledge